The following is an entry in ClinVar:

ClinVar aggregate classification (germline): Uncertain significance (1 of 4 stars; one submission).

Allele frequency attached by ClinVar (database versions not stated): gnomAD exomes below 0.00001.
gnomAD v4.1: 2 of 1,613,626 alleles (0.00012%); highest among the groups gnomAD compares: East Asian, 0.0045%; no homozygotes.

Submission:

Labcorp Genetics (formerly Invitae), Labcorp
Classification: Uncertain significance. Last evaluated: 2024-02-16. Review status: criteria provided, single submitter. Criteria: Invitae Variant Classification Sherloc (09022015). Collection method: clinical testing. Allele origin: germline.
Comment: This sequence change replaces valine, which is neutral and non-polar, with leucine, which is neutral and non-polar, at codon 1285 of the SCN3A protein (p.Val1285Leu). This variant is not present in population databases (gnomAD no frequency). This variant has not been reported in the literature in individuals affected with SCN3A-related conditions. ClinVar contains an entry for this variant (Variation ID: 1998611). Advanced modeling of protein sequence and biophysical properties (such as structural, functional, and spatial information, amino acid conservation, physicochemical variation, residue mobility, and thermodynamic stability) performed at Invitae indicates that this missense variant is not expected to disrupt SCN3A protein function with a negative predictive value of 95%. In summary, the available evidence is currently insufficient to determine the role of this variant in disease. Therefore, it has been classified as a Variant of Uncertain Significance.

NM_006922.4(SCN3A):c.3853G>C (p.Val1285Leu)

Gene: SCN3A (sodium voltage-gated channel alpha subunit 3; minus strand). Cytogenetic location: 2q24.3.
Variant type: single nucleotide variant.
Coding change: c.3853G>C on transcript NM_006922.4 (MANE Select); coding-DNA position 3853, G replaced by C.
Protein change: p.Val1285Leu; replaces valine 1285 with leucine.
Molecular consequence: missense variant.
Genome position (GRCh38, 1-based): chr2:165,100,415, C>G on the plus strand (G>C on the coding strand, the complement: SCN3A is on the minus strand). VCF-style: chr2-165100415-C-G. GRCh37 (hg19) VCF-style: chr2-165956925-C-G.
Other names: c.3706G>C, p.Val1236Leu (NM_001081676.2, NM_001081677.2); short protein forms V1236L, V1285L.
Identifiers: ClinVar variation 1998611 (VCV001998611.4), dbSNP rs2468088177, ClinGen allele CA349028501.